The following is an entry in ClinVar:

ClinVar aggregate classification (germline): Uncertain significance (1 of 4 stars; one submission).

Allele frequency attached by ClinVar (database versions not stated): ExAC 0.00002; gnomAD exomes 0.00002 and 0.00003; ESP Exome Variant Server 0.00015.
gnomAD v4.1: 34 of 1,583,606 alleles (0.0021%); highest among the groups gnomAD compares: Non-Finnish European, 0.0028%; no homozygotes.

Submission:

Labcorp Genetics (formerly Invitae), Labcorp
Classification: Uncertain significance. Last evaluated: 2025-08-02. Review status: criteria provided, single submitter. Criteria: Invitae Variant Classification Sherloc (09022015). Collection method: clinical testing. Allele origin: germline.
Comment: This sequence change falls in intron 3 of the ARL3 gene. It does not directly change the encoded amino acid sequence of the ARL3 protein. It affects a nucleotide within the consensus splice site. This variant is present in population databases (rs374219620, gnomAD 0.006%). This variant has not been reported in the literature in individuals affected with ARL3-related conditions. ClinVar contains an entry for this variant (Variation ID: 1513584). Variants that disrupt the consensus splice site are a relatively common cause of aberrant splicing (PMID: 17576681, 9536098). Algorithms developed to predict the effect of sequence changes on RNA splicing suggest that this variant is not likely to affect RNA splicing. In summary, the available evidence is currently insufficient to determine the role of this variant in disease. Therefore, it has been classified as a Variant of Uncertain Significance.

Literature cited by the submitters: PubMed 17576681; PubMed 9536098.

NM_004311.4(ARL3):c.265-3T>A

Gene: ARL3 (ARF like GTPase 3; minus strand). Cytogenetic location: 10q24.32.
Variant type: single nucleotide variant.
Coding change: c.265-3T>A on transcript NM_004311.4 (MANE Select); 3 bases into the intron before coding-DNA position 265, T replaced by A.
Molecular consequence: intron variant.
Genome position (GRCh38, 1-based): chr10:102,689,946, A>T on the plus strand (T>A on the coding strand, the complement: ARL3 is on the minus strand). VCF-style: chr10-102689946-A-T. GRCh37 (hg19) VCF-style: chr10-104449703-A-T.
Identifiers: ClinVar variation 1513584 (VCV001513584.6), dbSNP rs374219620, ClinGen allele CA5668475.